The following is an entry in ClinVar:

NM_000435.3(NOTCH3):c.2086A>C (p.Ser696Arg)

Gene: NOTCH3 (notch receptor 3; minus strand). Cytogenetic location: 19p13.12.
Variant type: single nucleotide variant.
Coding change: c.2086A>C on transcript NM_000435.3 (MANE Select); coding-DNA position 2086, A replaced by C.
Protein change: p.Ser696Arg; replaces serine 696 with arginine.
Molecular consequence: missense variant.
Genome position (GRCh38, 1-based): chr19:15,185,545, T>G on the plus strand (A>C on the coding strand, the complement: NOTCH3 is on the minus strand). VCF-style: chr19-15185545-T-G. GRCh37 (hg19) VCF-style: chr19-15296356-T-G.
Other names: short protein forms S696R.
Identifiers: ClinVar variation 3629810 (VCV003629810.1).
Genomic context (GRCh38, chr19:15,185,545, plus strand): 5'-ACCCGCCAGGTGCATCATAGCAGATGCCGTGACTGCAGGGCTCATGGGCACAGGGATGGC[T>G]CGGGGGGAGGCAGAGTGGGGGCAAGGAGCCAGGCGGGCAGAGGCAGCGGAAGCCATTTTC-3'
Protein context (NP_000426.2, residues 686-706): GSLPPLCLPP[Ser696Arg]HPCAHEPCSH

ClinVar aggregate classification (germline): Uncertain significance (1 of 4 stars; one submission).

Submission:

Women's Health and Genetics/Laboratory Corporation of America, LabCorp
Classification: Uncertain significance. Last evaluated: 2024-11-06. Review status: criteria provided, single submitter. Criteria: LabCorp Variant Classification Summary - May 2015. Collection method: clinical testing. Allele origin: germline.
Comment: Variant summary: NOTCH3 c.2086A>C (p.Ser696Arg) results in a non-conservative amino acid change located in the Growth factor receptor cysteine-rich domain of the encoded protein sequence. Four of five in-silico tools predict a benign effect of the variant on protein function. The variant was absent in 250386 control chromosomes. The available data on variant occurrences in the general population are insufficient to allow any conclusion about variant significance. To our knowledge, no occurrence of c.2086A>C in individuals affected with Cerebral arteriopathy, autosomal dominant, with subcortical infarcts and leukoencephalopathy, type 1 and no experimental evidence demonstrating its impact on protein function have been reported. No submitters have cited clinical-significance assessments for this variant to ClinVar. Based on the evidence outlined above, the variant was classified as uncertain significance.